The following is an entry in ClinVar:

NM_198334.3(GANAB):c.1348C>T (p.Arg450Cys)

Gene: GANAB (glucosidase II alpha subunit; minus strand). Cytogenetic location: 11q12.3.
Variant type: single nucleotide variant.
Coding change: c.1348C>T on transcript NM_198334.3 (MANE Select); coding-DNA position 1348, C replaced by T.
Protein change: p.Arg450Cys; replaces arginine 450 with cysteine.
Molecular consequence: missense variant.
Genome position (GRCh38, 1-based): chr11:62,630,639, G>A on the plus strand (C>T on the coding strand, the complement: GANAB is on the minus strand). VCF-style: chr11-62630639-G-A. GRCh37 (hg19) VCF-style: chr11-62398111-G-A.
Other names: c.1072C>T, p.Arg358Cys (NM_001278192.2); c.1006C>T, p.Arg336Cys (NM_001278193.2); c.1057C>T, p.Arg353Cys (NM_001278194.2, NM_001329222.2, NM_001329223.2); c.625C>T, p.Arg209Cys (NM_001329224.2, NM_001329225.2); c.1414C>T, p.Arg472Cys (NM_198335.4); short protein forms R358C, R472C, R336C, R353C, R450C, R209C.
Identifiers: ClinVar variation 2171213 (VCV002171213.4), dbSNP rs371289544, ClinGen allele CA6050811.
Genomic context (GRCh38, chr11:62,630,639, plus strand): 5'-AAGCGTGACTGCAACCCCTTACCTTCCGCCTCTTAGAAGCCAAGCGCTCAAGCATGGTGC[G>A]GGGCTGAGGGAAGCGACTGGGGTCCCAGGTGAAATACCGCTTGCCATCAGCATGTTCAAT-3'
Protein context (NP_938148.1, residues 440-460): TWDPSRFPQP[Arg450Cys]TMLERLASKR

ClinVar aggregate classification (germline): Uncertain significance (1 of 4 stars; one submission).

Allele frequency attached by ClinVar (database versions not stated): TOPMed 0.00002; gnomAD 0.00004; ExAC 0.00007; ESP Exome Variant Server 0.00008.
gnomAD v4.1: 44 of 1,614,032 alleles (0.0027%); highest among the groups gnomAD compares: East Asian, 0.0089%; no homozygotes.

Submission:

Labcorp Genetics (formerly Invitae), Labcorp
Classification: Uncertain significance. Last evaluated: 2021-12-18. Review status: criteria provided, single submitter. Criteria: Invitae Variant Classification Sherloc (09022015). Collection method: clinical testing. Allele origin: germline.
Comment: In summary, the available evidence is currently insufficient to determine the role of this variant in disease. Therefore, it has been classified as a Variant of Uncertain Significance. Advanced modeling of protein sequence and biophysical properties (such as structural, functional, and spatial information, amino acid conservation, physicochemical variation, residue mobility, and thermodynamic stability) performed at Invitae indicates that this missense variant is expected to disrupt GANAB protein function. This variant has not been reported in the literature in individuals affected with GANAB-related conditions. This variant is present in population databases (rs371289544, gnomAD 0.007%). This sequence change replaces arginine, which is basic and polar, with cysteine, which is neutral and slightly polar, at codon 472 of the GANAB protein (p.Arg472Cys).